The following is an entry in ClinVar:

ClinVar aggregate classification (germline): Uncertain significance. Review status: criteria provided, single submitter (1 of 4 stars). 3 submissions from 3 submitters: Uncertain significance (1). 2 of the submissions do not count toward it. Last evaluated 2020-08-22.

Conditions:
Charcot-Marie-Tooth disease. Also called: Charcot-Marie-Tooth Hereditary Neuropathy; Charcot-Marie-Tooth Neuropathy. Identifiers: Orphanet 166, MedGen C0007959, MONDO:0015626.
Charcot-Marie-Tooth disease type 2. Also called: Charcot-Marie-Tooth type 2. Identifiers: Orphanet 64746, MedGen C0270914, MONDO:0018993.
Charcot-Marie-Tooth disease type 2D (CMT2D). Also called: Charcot-Marie-Tooth Neuropathy Type 2D; CHARCOT-MARIE-TOOTH DISEASE, AXONAL, TYPE 2D; CHARCOT-MARIE-TOOTH DISEASE, NEURONAL, TYPE 2D; GARS1 Adolescent- or Early Adult-Onset Hereditary Motor/Sensory Neuropathy (GARS1-HMSN). Identifiers: Orphanet 99938, MedGen C1832274, MONDO:0011091, OMIM 601472.

Allele frequency attached by ClinVar (database versions not stated): gnomAD exomes below 0.00001.
gnomAD v4.1: 1 of 1,587,344 alleles (0.000063%); highest among the groups gnomAD compares: Non-Finnish European, 0.000087%; no homozygotes.

Submissions (3):

Labcorp Genetics (formerly Invitae), Labcorp
Classification: Uncertain significance for Charcot-Marie-Tooth disease type 2. Last evaluated: 2020-08-22. Review status: criteria provided, single submitter. Criteria: Invitae Variant Classification Sherloc (09022015). Collection method: clinical testing. Allele origin: germline.
Comment: This sequence change affects a donor splice site in intron 14 of the GARS gene. It is expected to disrupt RNA splicing and likely results in an absent or disrupted protein product. This variant is not present in population databases (ExAC no frequency). This variant has been observed in individual(s) with clinical features of Charcot-Marie-Tooth disease (Invitae) and in individual(s) referred for genetic testing for neuropathy (PMID: 25614874). ClinVar contains an entry for this variant (Variation ID: 637501). Algorithms developed to predict the effect of sequence changes on RNA splicing suggest that this variant may disrupt the consensus splice site, but this prediction has not been confirmed by published transcriptional studies. The current clinical and genetic evidence is not sufficient to establish whether loss-of-function variants in GARS cause disease. In summary, the available evidence is currently insufficient to determine the role of this variant in disease. Therefore, it has been classified as a Variant of Uncertain Significance.

Inherited Neuropathy Consortium Ii, University Of Miami
Classification: Uncertain significance for Charcot-Marie-Tooth disease type 2D. Last evaluated: 2016-01-06. Review status: no assertion criteria provided. Collection method: literature only. Allele origin: germline. Affected: yes. Not counted in ClinVar's aggregate classification.

Inherited Neuropathy Consortium
Classification: Pathogenic for Charcot-Marie-Tooth disease. Review status: no assertion criteria provided. Collection method: literature only. Allele origin: germline. Affected: yes. Not counted in ClinVar's aggregate classification.

Literature cited by the submitters: PubMed 25614874 (cited by 3 submitters).

NM_002047.4(GARS1):c.1809+1G>A

Gene: GARS1 (glycyl-tRNA synthetase 1; plus strand). Cytogenetic location: 7p14.3.
Variant type: single nucleotide variant.
Coding change: c.1809+1G>A on transcript NM_002047.4 (MANE Select); the canonical splice donor site of the intron after coding-DNA position 1809, G replaced by A.
Molecular consequence: splice donor variant.
Genome position (GRCh38, 1-based): chr7:30,628,670, G>A. VCF-style: chr7-30628670-G-A. GRCh37 (hg19) VCF-style: chr7-30668286-G-A.
Other names: c.1647+1G>A (NM_001316772.1).
Identifiers: ClinVar variation 637501 (VCV000637501.11), dbSNP rs1554340340, ClinGen allele CA367129738.